The following is an entry in ClinVar:

Conditions:
Long QT syndrome 5 (LQT5). Identifiers: Orphanet 101016, Orphanet 768, MedGen C1867904, MONDO:0013372, OMIM 613695.

Submission:

Roden Lab, Vanderbilt University Medical Center
No classification provided (evidence only). Condition: Long QT syndrome 5. Review status: no classification provided. Collection method: in vitro. Allele origin: not applicable. Functional consequence: Effect on ion channel function.
ClinVar note: "not provided" was previously submitted as the classification for the variant. However, the classification appeared to be based only on an observation of functional data so it was converted to no classification on 2025-07-30.

NM_000219.6(KCNE1):c.251C>T (p.Ser84Phe)

Gene: KCNE1 (potassium voltage-gated channel subfamily E regulatory subunit 1; minus strand). Cytogenetic location: 21q22.12.
Variant type: single nucleotide variant.
Coding change: c.251C>T on transcript NM_000219.6 (MANE Select); coding-DNA position 251, C replaced by T.
Protein change: p.Ser84Phe; replaces serine 84 with phenylalanine.
Molecular consequence: missense variant.
Genome position (GRCh38, 1-based): chr21:34,449,384, G>A on the plus strand (C>T on the coding strand, the complement: KCNE1 is on the minus strand). VCF-style: chr21-34449384-G-A. GRCh37 (hg19) VCF-style: chr21-35821682-G-A.
Other names: c.251C>T, p.Ser84Phe (NM_001127668.4, NM_001127669.4, NM_001127670.4 and 4 more transcripts); short protein forms S84F.
Identifiers: ClinVar variation 3374442 (VCV003374442.2).